The following is an entry in ClinVar:

NM_000037.4(ANK1):c.2979C>G (p.Ile993Met)

Gene: ANK1 (ankyrin 1; minus strand). Cytogenetic location: 8p11.21.
Variant type: single nucleotide variant.
Coding change: c.2979C>G on transcript NM_000037.4 (MANE Select); coding-DNA position 2979, C replaced by G.
Protein change: p.Ile993Met; replaces isoleucine 993 with methionine.
Molecular consequence: missense variant.
Genome position (GRCh38, 1-based): chr8:41,695,313, G>C on the plus strand (C>G on the coding strand, the complement: ANK1 is on the minus strand). VCF-style: chr8-41695313-G-C. GRCh37 (hg19) VCF-style: chr8-41552831-G-C.
Other names: p.Ile993Met; c.3102C>G, p.Ile1034Met (NM_001142446.2); c.2979C>G, p.Ile993Met (NM_020475.3, NM_020476.3, NM_020477.3); short protein forms I1034M, I993M.
Identifiers: ClinVar variation 2683011 (VCV002683011.1), dbSNP rs2486777324, ClinGen allele CA371061710.

ClinVar aggregate classification (germline): Uncertain significance (1 of 4 stars; one submission).

Submission:

Mayo Clinic Laboratories, Mayo Clinic
Classification: Uncertain significance. Last evaluated: 2023-06-07. Review status: criteria provided, single submitter. Criteria: ACMG Guidelines, 2015. Collection method: clinical testing. Allele origin: germline. Observed: 1 variant allele.
Comment: PM2, PM5

Literature cited by the submitters: PubMed 32973886.